The following is an entry in ClinVar:

NM_004387.4(NKX2-5):c.478_480delinsGTACCGTT (p.Gln160fs)

Gene: NKX2-5 (NK2 homeobox 5; minus strand). Cytogenetic location: 5q35.1.
Variant type: Indel.
Coding change: c.478_480delinsGTACCGTT on transcript NM_004387.4 (MANE Select); coding-DNA positions 478 to 480, CAG replaced by GTACCGTT.
Protein change: p.Gln160fs; shifts the reading frame from glutamine 160.
Molecular consequence: frameshift variant. On other transcripts: 3 prime UTR variant (2).
Genome position (GRCh38, 1-based): chr5:173,233,064-173,233,066, CTG replaced by AACGGTAC on the plus strand (CAG replaced by GTACCGTT on the coding strand, the reverse complement: NKX2-5 is on the minus strand). VCF-style: chr5-173233064-CTG-AACGGTAC. GRCh37 (hg19) VCF-style: chr5-172660067-CTG-AACGGTAC.
Other names: c.*431_*433delinsGTACCGTT (NM_001166175.2); c.*277_*279delinsGTACCGTT (NM_001166176.2); short protein forms Q160fs.
Identifiers: ClinVar variation 211670 (VCV000211670.6), dbSNP rs797045790, ClinGen allele CA209712.

ClinVar aggregate classification (germline): Pathogenic. Review status: criteria provided, multiple submitters, no conflicts (2 of 4 stars). 2 submissions from 2 submitters: Pathogenic (2). Last evaluated 2017-01-06.

Conditions:
Abnormal cardiovascular system morphology. Also called: Abnormality of cardiovascular system morphology. Identifiers: MedGen C4049796, HP:0030680.

Submissions (2):

GeneDx
Classification: Pathogenic. Last evaluated: 2017-01-06. Review status: criteria provided, single submitter. Criteria: GeneDx Variant Classification (06012015). Collection method: clinical testing. Allele origin: germline. Affected: yes.
Comment: Although the c.478_480delCAGinsGTACCGTT pathogenic variant in the NKX2-5 gene has not been reported to our knowledge, this variant causes a shift in reading frame starting at codon Glutamine 160, changing it to a Valine, and creating a premature stop codon at position 18 of the new reading frame, denoted p.Gln160ValfsX18. This pathogenic variant is expected to result in an abnormal, truncated protein product. Other frameshift variants in the NKX2-5 gene have been reported in HGMD in association with NKX2-5-related disorders (Stenson et al., 2014). Furthermore, the c.478_480delCAGinsGTACCGTT variant was not observed in approximately 6,500 individuals of European and African American ancestry in the NHLBI Exome Sequencing Project, indicating it is not a common benign variant in these populations.

Genetic Services Laboratory, University of Chicago
Classification: Pathogenic for Malformation of the heart and great vessels. Last evaluated: 2013-02-08. Review status: criteria provided, single submitter. Criteria: ACMG Guidelines, 2007. Collection method: clinical testing. Allele origin: germline. Affected: yes.